The following is an entry in ClinVar:

ClinVar aggregate classification (germline): Uncertain significance (1 of 4 stars; one submission).

Conditions:
Catecholaminergic polymorphic ventricular tachycardia 1. Also called: VENTRICULAR TACHYCARDIA, CATECHOLAMINERGIC POLYMORPHIC, 1, WITH OR WITHOUT ATRIAL DYSFUNCTION AND/OR DILATED CARDIOMYOPATHY; RYR2-Related Catecholaminergic Polymorphic Ventricular Tachycardia; VENTRICULAR TACHYCARDIA, STRESS-INDUCED POLYMORPHIC 1. Identifiers: Orphanet 3286, MedGen C1631597, MONDO:0011484, OMIM 604772.

Submission:

Labcorp Genetics (formerly Invitae), Labcorp
Classification: Uncertain significance for Catecholaminergic polymorphic ventricular tachycardia 1. Last evaluated: 2020-12-09. Review status: criteria provided, single submitter. Criteria: Invitae Variant Classification Sherloc (09022015). Collection method: clinical testing. Allele origin: germline.
Comment: In summary, the available evidence is currently insufficient to determine the role of this variant in disease. Therefore, it has been classified as a Variant of Uncertain Significance. Advanced modeling of protein sequence and biophysical properties (such as structural, functional, and spatial information, amino acid conservation, physicochemical variation, residue mobility, and thermodynamic stability) performed at Invitae indicates that this missense variant is expected to disrupt RYR2 protein function. This variant has not been reported in the literature in individuals with RYR2-related conditions. This variant is not present in population databases (ExAC no frequency). This sequence change replaces aspartic acid with tyrosine at codon 4868 of the RYR2 protein (p.Asp4868Tyr). The aspartic acid residue is highly conserved and there is a large physicochemical difference between aspartic acid and tyrosine.

NM_001035.3(RYR2):c.14602G>T (p.Asp4868Tyr)

Gene: RYR2 (ryanodine receptor 2; plus strand). Cytogenetic location: 1q43.
Variant type: single nucleotide variant.
Coding change: c.14602G>T on transcript NM_001035.3 (MANE Select); coding-DNA position 14602, G replaced by T.
Protein change: p.Asp4868Tyr; replaces aspartic acid 4868 with tyrosine.
Molecular consequence: missense variant.
Genome position (GRCh38, 1-based): chr1:237,828,392, G>T. VCF-style: chr1-237828392-G-T. GRCh37 (hg19) VCF-style: chr1-237991692-G-T.
Other names: short protein forms D4868Y.
Identifiers: ClinVar variation 1507154 (VCV001507154.9), dbSNP rs1663399787, ClinGen allele CA345429264.
Genomic context (GRCh38, chr1:237,828,392, plus strand): 5'-ATTATTCATTGCTTGATAAAGATTAAATTGTGTTTTTATTTAACACCAGGTCTAATTATT[G>T]ATGCTTTTGGAGAACTAAGAGACCAACAGGAACAAGTCAAAGAAGACATGGAGGTAAGCT-3'
Protein context (NP_001026.2, residues 4858-4878): LLAIIQGLII[Asp4868Tyr]AFGELRDQQE